The following is an entry in ClinVar:

NM_000431.4(MVK):c.64G>A (p.Val22Met)

Gene: MVK (mevalonate kinase; plus strand). Cytogenetic location: 12q24.11.
Variant type: single nucleotide variant.
Coding change: c.64G>A on transcript NM_000431.4 (MANE Select); coding-DNA position 64, G replaced by A.
Protein change: p.Val22Met; replaces valine 22 with methionine.
Molecular consequence: missense variant. On other transcripts: non-coding transcript variant (4), intron variant (1).
Genome position (GRCh38, 1-based): chr12:109,574,886, G>A. VCF-style: chr12-109574886-G-A. GRCh37 (hg19) VCF-style: chr12-110012691-G-A.
Other names: c.64G>A, p.Val22Met (NM_001114185.3, NM_001301182.2, NM_001414511.1 and 3 more transcripts); c.-505+1013G>A (NM_001414515.1); short protein forms V22M.
Identifiers: ClinVar variation 4085084 (VCV004085084.8).

ClinVar aggregate classification (germline): Likely pathogenic (1 of 4 stars; one submission).

gnomAD v4.1: 9 of 1,609,174 alleles (0.00056%); highest among the groups gnomAD compares: South Asian, 0.0011%; no homozygotes.

Submission:

CeGaT Center for Human Genetics Tuebingen
Classification: Likely pathogenic. Last evaluated: 2025-07-01. Review status: criteria provided, single submitter. Criteria: CeGaT Center For Human Genetics Tuebingen Variant Classification Criteria Version 2. Collection method: clinical testing. Allele origin: germline. Affected: yes. Observed: 1 variant allele.
Comment: MVK: PM2, PM3, PP3, PS4:Supporting